The following is an entry in ClinVar:

ClinVar aggregate classification (germline): Pathogenic (1 of 4 stars; one submission).

Submission:

Labcorp Genetics (formerly Invitae), Labcorp
Classification: Pathogenic. Last evaluated: 2021-10-18. Review status: criteria provided, single submitter. Criteria: Invitae Variant Classification Sherloc (09022015). Collection method: clinical testing. Allele origin: germline.
Comment: For these reasons, this variant has been classified as Pathogenic. This variant has not been reported in the literature in individuals affected with ABCB11-related conditions. This variant is not present in population databases (ExAC no frequency). This sequence change creates a premature translational stop signal (p.Tyr178Thrfs*5) in the ABCB11 gene. It is expected to result in an absent or disrupted protein product. Loss-of-function variants in ABCB11 are known to be pathogenic (PMID: 18395098, 20232290).

Literature cited by the submitters: PubMed 18395098; PubMed 20232290.

NM_003742.4(ABCB11):c.532del (p.Tyr178fs)

Gene: ABCB11 (ATP binding cassette subfamily B member 11; minus strand). Cytogenetic location: 2q31.1.
Variant type: Deletion.
Coding change: c.532del on transcript NM_003742.4 (MANE Select); coding-DNA position 532, one base deleted (T; older notation c.532delT).
Protein change: p.Tyr178fs; shifts the reading frame from tyrosine 178.
Molecular consequence: frameshift variant.
Genome position (GRCh38, 1-based): chr2:168,995,428, A deleted on the plus strand (T on the coding strand, the reverse complement: ABCB11 is on the minus strand); the first of 4 consecutive A bases (chr2:168,995,428-168,995,431); deleting any one gives the same sequence. VCF-style (leftmost placement, unchanged base first): chr2-168995427-TA-T. GRCh37 (hg19) VCF-style: chr2-169851937-TA-T.
Other names: short protein forms Y178fs.
Identifiers: ClinVar variation 1414374 (VCV001414374.6), dbSNP rs2106013953, ClinGen allele CA2573133579.
Genomic context (GRCh38, chr2:168,995,427, plus strand): 5'-AGCTCCCCCACTGAATTGCAGTCAAACCACCCTATTTCCATTCTCATTATTCTCCTAAAG[TA>T]AAATTTTCTCATTTTCTGTATCTGACGAGCTGCGGCAATGACCCAAAAGCATATCTGGAA-3'